The following is an entry in ClinVar:

ClinVar aggregate classification (germline): Pathogenic/Likely pathogenic. Review status: criteria provided, multiple submitters, no conflicts (2 of 4 stars). 2 submissions from 2 submitters: Pathogenic (1); Likely pathogenic (1). Last evaluated 2024-06-17.

Conditions:
Pyridoxine-dependent epilepsy (EPEO4). Also called: Pyridoxine-Dependent Epilepsy - ALDH7A1; Pyridoxine-Dependent Seizures; EPILEPSY, EARLY-ONSET, 4, VITAMIN B6-DEPENDENT; PYRIDOXINE DEPENDENCY WITH SEIZURES. Identifiers: Orphanet 3006, MedGen C1849508, MONDO:0009945, OMIM 266100. Disease mechanism: loss of function.

Allele frequency attached by ClinVar (database versions not stated): gnomAD exomes below 0.00001.
gnomAD v4.1: 5 of 1,602,128 alleles (0.00031%); highest among the groups gnomAD compares: South Asian, 0.0011%; no homozygotes.

Submissions (2):

Labcorp Genetics (formerly Invitae), Labcorp
Classification: Likely pathogenic for Pyridoxine-dependent epilepsy. Last evaluated: 2024-06-17. Review status: criteria provided, single submitter. Criteria: Invitae Variant Classification Sherloc (09022015). Collection method: clinical testing. Allele origin: germline.
Comment: This sequence change affects an acceptor splice site in intron 14 of the ALDH7A1 gene. It is expected to disrupt RNA splicing. Variants that disrupt the donor or acceptor splice site typically lead to a loss of protein function (PMID: 16199547), and loss-of-function variants in ALDH7A1 are known to be pathogenic (PMID: 16491085, 20554659). This variant is present in population databases (no rsID available, gnomAD 0.003%). Disruption of this splice site has been observed in individual(s) with clinical features of severe childhood epilepsy (PMID: 29720203). ClinVar contains an entry for this variant (Variation ID: 1499726). Algorithms developed to predict the effect of sequence changes on RNA splicing suggest that this variant may disrupt the consensus splice site. In summary, the currently available evidence indicates that the variant is pathogenic, but additional data are needed to prove that conclusively. Therefore, this variant has been classified as Likely Pathogenic.

CeGaT Center for Human Genetics Tuebingen
Classification: Pathogenic. Last evaluated: 2024-02-01. Review status: criteria provided, single submitter. Criteria: CeGaT Center For Human Genetics Tuebingen Variant Classification Criteria Version 2. Collection method: clinical testing. Allele origin: germline. Affected: yes. Observed: 1 variant allele.
Comment: ALDH7A1: PVS1, PM2, PM3, PS4:Supporting

Literature cited by the submitters: PubMed 16199547 (cited by Labcorp Genetics (formerly Invitae), Labcorp); PubMed 16491085 (cited by Labcorp Genetics (formerly Invitae), Labcorp); PubMed 20554659 (cited by Labcorp Genetics (formerly Invitae), Labcorp); PubMed 29720203 (cited by Labcorp Genetics (formerly Invitae), Labcorp).

NM_001182.5(ALDH7A1):c.1318-1G>C

Gene: ALDH7A1 (aldehyde dehydrogenase 7 family member A1; minus strand). Cytogenetic location: 5q23.2.
Variant type: single nucleotide variant.
Coding change: c.1318-1G>C on transcript NM_001182.5 (MANE Select); the canonical splice acceptor site of the intron before coding-DNA position 1318, G replaced by C.
Molecular consequence: splice acceptor variant.
Genome position (GRCh38, 1-based): chr5:126,550,294, C>G on the plus strand (G>C on the coding strand, the complement: ALDH7A1 is on the minus strand). VCF-style: chr5-126550294-C-G. GRCh37 (hg19) VCF-style: chr5-125885986-C-G.
Other names: c.1126-1G>C (NM_001202404.2); c.1234-1G>C (NM_001201377.2).
Identifiers: ClinVar variation 1499726 (VCV001499726.31), dbSNP rs1258470290, ClinGen allele CA360721978.
Genomic context (GRCh38, chr5:126,550,294, plus strand): 5'-GATGCTACTTGAAAGTCCCTGTTTTACTTCATTATTCCATGCAAAGACCTCTTCTTCATT[C>G]TAAAAGGAGAGACATTGGAAGCTGTAAGATGTTATAGTGTTCAAGTCAAAGTTCACTGAC-3'